The following is an entry in ClinVar:

ClinVar aggregate classification (germline): Uncertain significance. Review status: criteria provided, multiple submitters, no conflicts (2 of 4 stars). 2 submissions from 2 submitters: Uncertain significance (2). Last evaluated 2022-08-01.

Conditions:
Inborn genetic diseases. Identifiers: MedGen C0950123, MeSH D030342.

Allele frequency attached by ClinVar (database versions not stated): gnomAD 0.00001; gnomAD exomes 0.00001; TOPMed 0.00004; ESP Exome Variant Server 0.00008.
gnomAD v4.1: 14 of 1,613,786 alleles (0.00087%); highest among the groups gnomAD compares: Admixed American, 0.005%; no homozygotes.

Submissions (2):

CeGaT Center for Human Genetics Tuebingen
Classification: Uncertain significance. Last evaluated: 2022-08-01. Review status: criteria provided, single submitter. Criteria: CeGaT Center For Human Genetics Tuebingen Variant Classification Criteria Version 2. Collection method: clinical testing. Allele origin: germline. Affected: yes. Observed: 1 variant allele.
Comment: PRG4: PM2

Ambry Genetics
Classification: Uncertain significance for Inborn genetic diseases. Last evaluated: 2021-09-17. Review status: criteria provided, single submitter. Criteria: Ambry Variant Classification Scheme 2023. Collection method: clinical testing. Allele origin: germline.

NM_005807.6(PRG4):c.3737C>T (p.Ala1246Val)

Gene: PRG4 (proteoglycan 4; plus strand). Cytogenetic location: 1q31.1.
Variant type: single nucleotide variant.
Coding change: c.3737C>T on transcript NM_005807.6 (MANE Select); coding-DNA position 3737, C replaced by T.
Protein change: p.Ala1246Val; replaces alanine 1246 with valine.
Molecular consequence: missense variant.
Genome position (GRCh38, 1-based): chr1:186,311,540, C>T. VCF-style: chr1-186311540-C-T. GRCh37 (hg19) VCF-style: chr1-186280672-C-T.
Other names: c.3614C>T, p.Ala1205Val (NM_001127708.3); c.3458C>T, p.Ala1153Val (NM_001127709.3); c.3335C>T, p.Ala1112Val (NM_001127710.3); c.3608C>T, p.Ala1203Val (NM_001303232.2); short protein forms A1112V, A1205V, A1153V, A1203V, A1246V.
Identifiers: ClinVar variation 2220504 (VCV002220504.26), dbSNP rs369724686, ClinGen allele CA1296730.